The following is an entry in ClinVar:

NM_004525.3(LRP2):c.8141C>T (p.Ser2714Leu)

Gene: LRP2 (LDL receptor related protein 2; minus strand). Cytogenetic location: 2q31.1.
Variant type: single nucleotide variant.
Coding change: c.8141C>T on transcript NM_004525.3 (MANE Select); coding-DNA position 8141, C replaced by T.
Protein change: p.Ser2714Leu; replaces serine 2714 with leucine.
Molecular consequence: missense variant.
Genome position (GRCh38, 1-based): chr2:169,202,824, G>A on the plus strand (C>T on the coding strand, the complement: LRP2 is on the minus strand). VCF-style: chr2-169202824-G-A. GRCh37 (hg19) VCF-style: chr2-170059334-G-A.
Other names: short protein forms S2714L.
Identifiers: ClinVar variation 1696252 (VCV001696252.6), dbSNP rs774369141, ClinGen allele CA1953925.

ClinVar aggregate classification (germline): Uncertain significance. Review status: criteria provided, multiple submitters, no conflicts (2 of 4 stars). 4 submissions from 4 submitters: Uncertain significance (4). Last evaluated 2024-11-13.

Conditions:
Inborn genetic diseases. Identifiers: MedGen C0950123, MeSH D030342.
Donnai-Barrow syndrome. Also called: DBS/FOAR SYNDROME; FACIOOCULOACOUSTICORENAL SYNDROME. Identifiers: Orphanet 2143, MedGen C1857277, MONDO:0009104, OMIM 222448.

Allele frequency attached by ClinVar (database versions not stated): ExAC 0.00002; TOPMed 0.00003; gnomAD exomes 0.00002.
gnomAD v4.1: 29 of 1,613,948 alleles (0.0018%); highest among the groups gnomAD compares: Admixed American, 0.0083%; no homozygotes.

Submissions (4):

Ambry Genetics
Classification: Uncertain significance for Inborn genetic diseases. Last evaluated: 2024-11-13. Review status: criteria provided, single submitter. Criteria: Ambry Variant Classification Scheme 2023. Collection method: clinical testing. Allele origin: germline.

Labcorp Genetics (formerly Invitae), Labcorp
Classification: Uncertain significance. Last evaluated: 2022-06-04. Review status: criteria provided, single submitter. Criteria: Invitae Variant Classification Sherloc (09022015). Collection method: clinical testing. Allele origin: germline.
Comment: This sequence change replaces serine, which is neutral and polar, with leucine, which is neutral and non-polar, at codon 2714 of the LRP2 protein (p.Ser2714Leu). This variant is present in population databases (rs774369141, gnomAD 0.01%). This variant has not been reported in the literature in individuals affected with LRP2-related conditions. Advanced modeling of protein sequence and biophysical properties (such as structural, functional, and spatial information, amino acid conservation, physicochemical variation, residue mobility, and thermodynamic stability) performed at Invitae indicates that this missense variant is not expected to disrupt LRP2 protein function. In summary, the available evidence is currently insufficient to determine the role of this variant in disease. Therefore, it has been classified as a Variant of Uncertain Significance.

Women's Health and Genetics/Laboratory Corporation of America, LabCorp
Classification: Uncertain significance. Last evaluated: 2022-05-03. Review status: criteria provided, single submitter. Criteria: LabCorp Variant Classification Summary - May 2015. Collection method: clinical testing. Allele origin: germline.

Fulgent Genetics
Classification: Uncertain significance for Donnai-Barrow syndrome. Last evaluated: 2022-03-16. Review status: criteria provided, single submitter. Criteria: ACMG Guidelines, 2015. Collection method: clinical testing. Allele origin: unknown.